The following is an entry in ClinVar:

NM_145261.4(DNAJC19):c.217G>A (p.Ala73Thr)

Gene: DNAJC19 (DnaJ heat shock protein family (Hsp40) member C19; minus strand). Cytogenetic location: 3q26.33.
Variant type: single nucleotide variant.
Coding change: c.217G>A on transcript NM_145261.4 (MANE Select); coding-DNA position 217, G replaced by A.
Protein change: p.Ala73Thr; replaces alanine 73 with threonine.
Molecular consequence: missense variant. On other transcripts: non-coding transcript variant (4).
Genome position (GRCh38, 1-based): chr3:180,985,989, C>T on the plus strand (G>A on the coding strand, the complement: DNAJC19 is on the minus strand). VCF-style: chr3-180985989-C-T. GRCh37 (hg19) VCF-style: chr3-180703777-C-T.
Other names: c.142G>A, p.Ala48Thr (NM_001190233.2); short protein forms A48T, A73T.
Identifiers: ClinVar variation 2039814 (VCV002039814.3), dbSNP rs757569013, ClinGen allele CA2717082.

ClinVar aggregate classification (germline): Uncertain significance. Review status: criteria provided, multiple submitters, no conflicts (2 of 4 stars). 3 submissions from 3 submitters: Uncertain significance (3). Last evaluated 2023-02-05.

Conditions:
3-methylglutaconic aciduria type 5. Also called: 3 alpha methylglutaconic aciduria type V; MGA 5; CARDIOMYOPATHY, DILATED, WITH ATAXIA; MGA, TYPE V. Identifiers: Orphanet 66634, MedGen C1857776, MONDO:0012435, OMIM 610198.
Inborn genetic diseases. Identifiers: MedGen C0950123, MeSH D030342.

Allele frequency attached by ClinVar (database versions not stated): ExAC 0.00001; gnomAD exomes 0.00001; TOPMed 0.00005; gnomAD 0.00007.

Submissions (3):

Women's Health and Genetics/Laboratory Corporation of America, LabCorp
Classification: Uncertain significance. Last evaluated: 2023-02-05. Review status: criteria provided, single submitter. Criteria: LabCorp Variant Classification Summary - May 2015. Collection method: clinical testing. Allele origin: germline.

Labcorp Genetics (formerly Invitae), Labcorp
Classification: Uncertain significance for 3-methylglutaconic aciduria type 5. Last evaluated: 2022-10-25. Review status: criteria provided, single submitter. Criteria: Invitae Variant Classification Sherloc (09022015). Collection method: clinical testing. Allele origin: germline.
Comment: This sequence change replaces alanine, which is neutral and non-polar, with threonine, which is neutral and polar, at codon 73 of the DNAJC19 protein (p.Ala73Thr). This variant is present in population databases (rs757569013, gnomAD 0.02%). This variant has not been reported in the literature in individuals affected with DNAJC19-related conditions. Algorithms developed to predict the effect of missense changes on protein structure and function are either unavailable or do not agree on the potential impact of this missense change (SIFT: "Tolerated"; PolyPhen-2: "Probably Damaging"; Align-GVGD: "Class C0"). In summary, the available evidence is currently insufficient to determine the role of this variant in disease. Therefore, it has been classified as a Variant of Uncertain Significance.

Ambry Genetics
Classification: Uncertain significance for Inborn genetic diseases. Last evaluated: 2022-05-25. Review status: criteria provided, single submitter. Criteria: Ambry Variant Classification Scheme 2023. Collection method: clinical testing. Allele origin: germline.